The following is an entry in ClinVar:

ClinVar aggregate classification (germline): Likely pathogenic. Review status: criteria provided, multiple submitters, no conflicts (2 of 4 stars). 5 submissions from 5 submitters: Likely pathogenic (4). 1 of the submissions does not count toward it. Last evaluated 2026-04-16.

Conditions:
Medium-chain acyl-coenzyme A dehydrogenase deficiency (ACADMD). Also called: MCADD; Medium chain acyl-CoA dehydrogenase deficiency; ACADM DEFICIENCY; CARNITINE DEFICIENCY SECONDARY TO MEDIUM-CHAIN ACYL-CoA DEHYDROGENASE DEFICIENCY; MCADH DEFICIENCY; MCAD Deficiency. Identifiers: Orphanet 42, MedGen C0220710, MONDO:0008721, OMIM 201450.

Allele frequency attached by ClinVar (database versions not stated): gnomAD exomes 0.00001; TOPMed 0.00002.

Submissions (5):

Myriad Genetics, Inc.
Classification: Likely pathogenic for Medium-chain acyl-coenzyme A dehydrogenase deficiency. Last evaluated: 2026-04-16. Review status: criteria provided, single submitter. Criteria: Myriad Autosomal Dominant, Autosomal Recessive and X-Linked Classification Criteria (2023). Collection method: clinical testing. Allele origin: unknown.
Comment: NM_000016.4(ACADM):c.395C>G(P132R) is a missense variant classified as likely pathogenic in the context of medium-chain acyl-CoA dehydrogenase deficiency. P132R has been observed in cases with relevant disease (PMID: 16737882, Duis_2011_(Article)). Relevant functional assessments of this variant are not available in the literature. Internal structural analysis of the variant is supportive of pathogenicity. P132R has been observed in referenced population frequency databases. In summary, NM_000016.4(ACADM):c.395C>G(P132R) is a missense variant that has internal structural support for pathogenicity and has been observed more frequently in cases with the relevant disease than in healthy populations. Please note: this variant was assessed in the context of healthy population screening.

Labcorp Genetics (formerly Invitae), Labcorp
Classification: Likely pathogenic for Medium-chain acyl-coenzyme A dehydrogenase deficiency. Last evaluated: 2025-12-24. Review status: criteria provided, single submitter. Criteria: Invitae Variant Classification Sherloc (09022015). Collection method: clinical testing. Allele origin: germline.
Comment: This sequence change replaces proline, which is neutral and non-polar, with arginine, which is basic and polar, at codon 132 of the ACADM protein (p.Pro132Arg). This variant is present in population databases (no rsID available, gnomAD 0.002%). This missense change has been observed in individual(s) with medium-chain acyl-coenzyme A dehydrogenase deficiency (PMID: 16737882; internal data). ClinVar contains an entry for this variant (Variation ID: 226055). Invitae Evidence Modeling of protein sequence and biophysical properties (such as structural, functional, and spatial information, amino acid conservation, physicochemical variation, residue mobility, and thermodynamic stability) indicates that this missense variant is expected to disrupt ACADM protein function with a positive predictive value of 80%. In summary, the currently available evidence indicates that the variant is pathogenic, but additional data are needed to prove that conclusively. Therefore, this variant has been classified as Likely Pathogenic.

Baylor Genetics
Classification: Likely pathogenic for Medium-chain acyl-coenzyme A dehydrogenase deficiency. Last evaluated: 2023-09-17. Review status: criteria provided, single submitter. Criteria: ACMG Guidelines, 2015. Collection method: clinical testing. Allele origin: unknown.

ARUP Laboratories, Molecular Genetics and Genomics, ARUP Laboratories
Classification: Likely pathogenic for Medium-chain acyl-coenzyme A dehydrogenase deficiency. Last evaluated: 2015-02-20. Review status: criteria provided, single submitter. Criteria: ACMG Guidelines, 2015. Collection method: clinical testing. Allele origin: germline. Inheritance: Autosomal recessive inheritance. Observed: 2 heterozygotes.

Counsyl
Classification: Uncertain significance for Medium-chain acyl-coenzyme A dehydrogenase deficiency. Last evaluated: 2018-05-10. Review status: no assertion criteria provided. Collection method: clinical testing. Allele origin: unknown. Not counted in ClinVar's aggregate classification.

Literature cited by the submitters: PubMed 16737882 (cited by Labcorp Genetics (formerly Invitae), Labcorp and Counsyl).

NM_000016.6(ACADM):c.395C>G (p.Pro132Arg)

Gene: ACADM (acyl-CoA dehydrogenase medium chain; plus strand). Cytogenetic location: 1p31.1.
Variant type: single nucleotide variant.
Coding change: c.395C>G on transcript NM_000016.6 (MANE Select); coding-DNA position 395, C replaced by G.
Protein change: p.Pro132Arg; replaces proline 132 with arginine.
Molecular consequence: missense variant. On other transcripts: intron variant (1).
Genome position (GRCh38, 1-based): chr1:75,734,798, C>G. VCF-style: chr1-75734798-C-G. GRCh37 (hg19) VCF-style: chr1-76200483-C-G.
Other names: c.407C>G, p.Pro136Arg (NM_001127328.3); c.287C>G, p.Pro96Arg (NM_001286042.2); c.494C>G, p.Pro165Arg (NM_001286043.2); c.-100+1876C>G (NM_001286044.2); short protein forms P132R, P136R, P96R, P165R.
Identifiers: ClinVar variation 226055 (VCV000226055.19), dbSNP rs875989854, ClinGen allele CA10576227.